The following is an entry in ClinVar:

NM_001127511.3(APC):c.-56G>C

Gene: APC (APC regulator of Wnt signaling pathway; plus strand). Cytogenetic location: 5q22.2.
Variant type: single nucleotide variant.
Coding change: c.-56G>C on transcript NM_001127511.3; 56 bases upstream of the start codon, G replaced by C.
Molecular consequence: 5 prime UTR variant. On other transcripts: intron variant (5), non-coding transcript variant (1).
Genome position (GRCh38, 1-based): chr5:112,707,662, G>C. VCF-style: chr5-112707662-G-C. GRCh37 (hg19) VCF-style: chr5-112043359-G-C.
Other names: c.-19+13G>C (NM_001407457.1, NM_001407458.1, NM_001407448.1 and 1 more transcripts); c.-43+13G>C (NM_001407453.1); c.-1274G>C (NM_001407472.1, NM_001407470.1); c.-239G>C (NM_001354895.2, NM_001407447.1, NM_001407452.1 and 3 more transcripts); c.-56G>C (NM_001354897.2, NM_001354902.2, NM_001407446.1).
Identifiers: ClinVar variation 1051214 (VCV001051214.7), dbSNP rs1056514423, ClinGen allele CA124925063.
Genomic context (GRCh38, chr5:112,707,662, plus strand): 5'-CTCAGGCCCGGGAGCTGCGGACCGAGGTTGGCTCGATGCTGTTCCCAGGTACTGTTGTTG[G>C]CTGTTGGTGAGGAAGGTGAAGCACTCAGTTGCCTTCTCGGGCCTCGGCGCCCCCTATGTA-3'

ClinVar aggregate classification (germline): Uncertain significance (1 of 4 stars; one submission).

Conditions:
Familial adenomatous polyposis 1 (FAP1). Also called: FAMILIAL ADENOMATOUS POLYPOSIS 1, ATTENUATED; POLYPOSIS, ADENOMATOUS INTESTINAL. Identifiers: MedGen C2713442, MONDO:0021056, OMIM 175100. Disease mechanism: loss of function.

Allele frequency attached by ClinVar (database versions not stated): gnomAD exomes below 0.00001.
gnomAD v4.1: 1 of 1,368,256 alleles (0.000073%); highest among the groups gnomAD compares: Non-Finnish European, 0.000096%; no homozygotes.

Submission:

Labcorp Genetics (formerly Invitae), Labcorp
Classification: Uncertain significance for Familial adenomatous polyposis 1. Last evaluated: 2025-06-02. Review status: criteria provided, single submitter. Criteria: Invitae Variant Classification Sherloc (09022015). Collection method: clinical testing. Allele origin: germline.
Comment: This variant occurs in a non-coding region of the APC gene. It does not change the encoded amino acid sequence of the APC protein. This variant is not present in population databases (gnomAD no frequency). This variant has not been reported in the literature in individuals affected with APC-related conditions. Experimental studies and prediction algorithms are not available or were not evaluated, and the functional significance of this variant is currently unknown. In summary, the available evidence is currently insufficient to determine the role of this variant in disease. Therefore, it has been classified as a Variant of Uncertain Significance.